The following is an entry in ClinVar:

ClinVar aggregate classification (germline): Likely benign (1 of 4 stars; one submission).

Allele frequency attached by ClinVar (database versions not stated): gnomAD exomes below 0.00001; ExAC 0.00001; gnomAD 0.00001.
gnomAD v4.1: 4 of 1,210,049 alleles (0.00033%); highest among the groups gnomAD compares: East Asian, 0.003%; no homozygotes.

Submission:

CeGaT Center for Human Genetics Tuebingen
Classification: Likely benign. Last evaluated: 2022-03-01. Review status: criteria provided, single submitter. Criteria: CeGaT Center For Human Genetics Tuebingen Variant Classification Criteria Version 2. Collection method: clinical testing. Allele origin: germline. Affected: yes. Observed: 1 variant allele.
Comment: APOO: BP4, BP7

NM_024122.5(APOO):c.147A>G (p.Gln49=)

Gene: APOO (apolipoprotein O; minus strand). Cytogenetic location: Xp22.11.
Variant type: single nucleotide variant.
Coding change: c.147A>G on transcript NM_024122.5 (MANE Select); coding-DNA position 147, A replaced by G.
Protein change: p.Gln49=; no amino-acid change (glutamine 49 retained).
Molecular consequence: synonymous variant. On other transcripts: non-coding transcript variant (1).
Genome position (GRCh38, 1-based): chrX:23,879,005, T>C on the plus strand (A>G on the coding strand, the complement: APOO is on the minus strand). VCF-style: chrX-23879005-T-C. GRCh37 (hg19) VCF-style: chrX-23897122-T-C.
Identifiers: ClinVar variation 2660172 (VCV002660172.24), dbSNP rs373294515, ClinGen allele CA10370168.